The following is an entry in ClinVar:

NM_052947.4(ALPK2):c.1955C>T (p.Pro652Leu)

Gene: ALPK2 (alpha kinase 2; minus strand). Cytogenetic location: 18q21.31.
Variant type: single nucleotide variant.
Coding change: c.1955C>T on transcript NM_052947.4 (MANE Select); coding-DNA position 1955, C replaced by T.
Protein change: p.Pro652Leu; replaces proline 652 with leucine.
Molecular consequence: missense variant.
Genome position (GRCh38, 1-based): chr18:58,578,821, G>A on the plus strand (C>T on the coding strand, the complement: ALPK2 is on the minus strand). VCF-style: chr18-58578821-G-A. GRCh37 (hg19) VCF-style: chr18-56246053-G-A.
Other names: short protein forms P652L.
Identifiers: ClinVar variation 3228597 (VCV003228597.1), dbSNP rs868690123, ClinGen allele CA300926936.

ClinVar aggregate classification (germline): Uncertain significance (1 of 4 stars; one submission).

Submission:

Ambry Genetics
Classification: Uncertain significance. Last evaluated: 2023-12-24. Review status: criteria provided, single submitter. Criteria: Ambry Variant Classification Scheme 2023. Collection method: clinical testing. Allele origin: germline.
Comment: The p.P652L variant (also known as c.1955C>T), located in coding exon 3 of the ALPK2 gene, results from a C to T substitution at nucleotide position 1955. The proline at codon 652 is replaced by leucine, an amino acid with similar properties. This amino acid position is conserved. In addition, this alteration is predicted to be tolerated by in silico analysis. Since supporting evidence is limited at this time, the clinical significance of this alteration remains unclear.